The following is an entry in ClinVar:

NM_133433.4(NIPBL):c.460C>T (p.Arg154Trp)

Gene: NIPBL (NIPBL cohesin loading factor; plus strand). Cytogenetic location: 5p13.2.
Variant type: single nucleotide variant.
Coding change: c.460C>T on transcript NM_133433.4 (MANE Select); coding-DNA position 460, C replaced by T.
Protein change: p.Arg154Trp; replaces arginine 154 with tryptophan.
Molecular consequence: missense variant.
Genome position (GRCh38, 1-based): chr5:36,962,124, C>T. VCF-style: chr5-36962124-C-T. GRCh37 (hg19) VCF-style: chr5-36962226-C-T.
Other names: c.460C>T, p.Arg154Trp (NM_015384.5); short protein forms R154W.
Identifiers: ClinVar variation 3344959 (VCV003344959.1).

ClinVar aggregate classification (germline): Uncertain significance (0 of 4 stars; one submission).

Conditions:
NIPBL-related disorder. Also called: NIPBL-related condition.

Submission:

PreventionGenetics, part of Exact Sciences
Classification: Uncertain significance for NIPBL-related condition. Last evaluated: 2024-06-07. Review status: no assertion criteria provided. Collection method: clinical testing. Allele origin: germline.
Comment: The NIPBL c.460C>T variant is predicted to result in the amino acid substitution p.Arg154Trp. To our knowledge, this variant has not been reported in the literature. This variant is reported in 0.0046% of alleles in individuals of European (Finnish) descent in gnomAD and was also observed in 5 of 1613950 alleles in the gnomAD V4 data. At this time, the clinical significance of this variant is uncertain due to the absence of conclusive functional and genetic evidence.